The following is an entry in ClinVar:

ClinVar aggregate classification (germline): Uncertain significance (1 of 4 stars; one submission).

Conditions:
Joubert syndrome. Also called: CEREBELLOPARENCHYMAL DISORDER IV; JOUBERT-BOLTSHAUSER SYNDROME; Familial aplasia of the vermis. Identifiers: Orphanet 475, MedGen C5979921, MONDO:0018772.

Allele frequency attached by ClinVar (database versions not stated): gnomAD exomes below 0.00001.
gnomAD v4.1: 1 of 1,613,938 alleles (0.000062%); highest among the groups gnomAD compares: African/African-American, 0.0013%; no homozygotes.

Submission:

Labcorp Genetics (formerly Invitae), Labcorp
Classification: Uncertain significance for Joubert syndrome. Last evaluated: 2021-08-26. Review status: criteria provided, single submitter. Criteria: Invitae Variant Classification Sherloc (09022015). Collection method: clinical testing. Allele origin: germline.
Comment: This sequence change replaces glutamine with proline at codon 139 of the AHI1 protein (p.Gln139Pro). The glutamine residue is weakly conserved and there is a moderate physicochemical difference between glutamine and proline. This variant is not present in population databases (ExAC no frequency). This variant has not been reported in the literature in individuals affected with AHI1-related conditions. Algorithms developed to predict the effect of missense changes on protein structure and function output the following: SIFT: "Tolerated"; PolyPhen-2: "Benign"; Align-GVGD: "Class C0". The proline amino acid residue is found in multiple mammalian species, which suggests that this missense change does not adversely affect protein function. In summary, the available evidence is currently insufficient to determine the role of this variant in disease. Therefore, it has been classified as a Variant of Uncertain Significance.

NM_001134831.2(AHI1):c.416A>C (p.Gln139Pro)

Gene: AHI1 (Abelson helper integration site 1; minus strand). Cytogenetic location: 6q23.3.
Variant type: single nucleotide variant.
Coding change: c.416A>C on transcript NM_001134831.2 (MANE Select); coding-DNA position 416, A replaced by C.
Protein change: p.Gln139Pro; replaces glutamine 139 with proline.
Molecular consequence: missense variant.
Genome position (GRCh38, 1-based): chr6:135,466,147, T>G on the plus strand (A>C on the coding strand, the complement: AHI1 is on the minus strand). VCF-style: chr6-135466147-T-G. GRCh37 (hg19) VCF-style: chr6-135787285-T-G.
Other names: c.416A>C, p.Gln139Pro (NM_001134830.2, NM_001134832.2, NM_001350503.2 and 2 more transcripts); short protein forms Q139P.
Identifiers: ClinVar variation 841636 (VCV000841636.7), dbSNP rs1397997127, ClinGen allele CA365751721.
Genomic context (GRCh38, chr6:135,466,147, plus strand): 5'-GTATGTGTTTTCTGGTGTGTAGAATCAACCTTATTCTCAGGAGTTTCCGGTTTCAGGTCT[T>G]GTGTAGTCAACTGGGGCACCGTCTTTATCACCTTTTTATTTGGCTTTCCTTGTTTGTCTT-3'
Protein context (NP_001128303.1, residues 129-149): VIKTVPQLTT[Gln139Pro]DLKPETPENK